The following is an entry in ClinVar:

ClinVar aggregate classification (germline): Pathogenic/Likely pathogenic. Review status: criteria provided, multiple submitters, no conflicts (2 of 4 stars). 3 submissions from 3 submitters: Pathogenic (1); Likely pathogenic (2). Last evaluated 2026-04-07.

Conditions:
Bardet-Biedl syndrome 2 (BBS2). Identifiers: Orphanet 110, MedGen C2936863, MONDO:0014432, OMIM 615981.
BBS2-related ciliopathy. Identifiers: MedGen CN378634, MONDO:1040048.
Retinitis pigmentosa 74 (RP74). Identifiers: Orphanet 791, MedGen C4225281, MONDO:0014692, OMIM 616562.

Allele frequency attached by ClinVar (database versions not stated): gnomAD exomes below 0.00001; TOPMed below 0.00001; gnomAD 0.00001; ExAC 0.00002; ESP Exome Variant Server 0.00008.

Submissions (3):

Myriad Genetics, Inc.
Classification: Pathogenic for BBS2-related ciliopathy. Last evaluated: 2026-04-07. Review status: criteria provided, single submitter. Criteria: Myriad Autosomal Dominant, Autosomal Recessive and X-Linked Classification Criteria (2023). Collection method: clinical testing. Allele origin: unknown.
Comment: NM_031885.3(BBS2):c.406dupG(A136Gfs*15) is a frameshift variant classified as pathogenic in the context of Bardet-Biedl syndrome, BBS2-related. A136Gfs*15 has not been observed in cases with relevant disease. Relevant functional assessments of this variant are not available in the literature. A136Gfs*15 has been observed in referenced population frequency databases. In summary, NM_031885.3(BBS2):c.406dupG(A136Gfs*15) is a frameshift variant in a gene where loss of function is a known mechanism of disease and is predicted to disrupt protein function. Please note: this variant was assessed in the context of healthy population screening.

Fulgent Genetics
Classification: Likely pathogenic for Bardet-Biedl syndrome 2; Retinitis pigmentosa 74. Last evaluated: 2024-04-23. Review status: criteria provided, single submitter. Criteria: ACMG Guidelines, 2015. Collection method: clinical testing. Allele origin: germline.

Baylor Genetics
Classification: Likely pathogenic for Bardet-Biedl syndrome 2. Last evaluated: 2024-03-04. Review status: criteria provided, single submitter. Criteria: ACMG Guidelines, 2015. Collection method: clinical testing. Allele origin: unknown.

NM_031885.5(BBS2):c.406dup (p.Ala136fs)

Gene: BBS2 (Bardet-Biedl syndrome 2; minus strand). Cytogenetic location: 16q13.
Variant type: Duplication.
Coding change: c.406dup on transcript NM_031885.5 (MANE Select); coding-DNA position 406, one base duplicated (G; older notation c.406dupG).
Protein change: p.Ala136fs; shifts the reading frame from alanine 136.
Molecular consequence: frameshift variant. On other transcripts: non-coding transcript variant (5).
Genome position (GRCh38, 1-based): chr16:56,511,224, C duplicated on the plus strand (G on the coding strand, the reverse complement: BBS2 is on the minus strand). VCF-style (leftmost placement, unchanged base first): chr16-56511223-G-GC. GRCh37 (hg19) VCF-style: chr16-56545135-G-GC.
Other names: c.406dup, p.Ala136fs (NM_001377456.1); short protein forms A136fs.
Identifiers: ClinVar variation 2680016 (VCV002680016.4), dbSNP rs756003832, ClinGen allele CA8066057.